The following is an entry in ClinVar:

ClinVar aggregate classification (germline): Likely benign (0 of 4 stars; one submission).

Conditions:
TBX3-related disorder. Also called: TBX3-related condition.

Submission:

PreventionGenetics, part of Exact Sciences
Classification: Likely benign for TBX3-related condition. Last evaluated: 2023-11-01. Review status: no assertion criteria provided. Collection method: clinical testing. Allele origin: germline.
Comment: This variant is classified as likely benign based on ACMG/AMP sequence variant interpretation guidelines (Richards et al. 2015 PMID: 25741868, with internal and published modifications).

NM_005996.4(TBX3):c.1071C>A (p.Ala357=)

Gene: TBX3 (T-box transcription factor 3; minus strand). Cytogenetic location: 12q24.21.
Variant type: single nucleotide variant.
Coding change: c.1071C>A on transcript NM_005996.4 (MANE Select); coding-DNA position 1071, C replaced by A.
Protein change: p.Ala357=; no amino-acid change (alanine 357 retained).
Molecular consequence: synonymous variant.
Genome position (GRCh38, 1-based): chr12:114,674,804, G>T on the plus strand (C>A on the coding strand, the complement: TBX3 is on the minus strand). VCF-style: chr12-114674804-G-T. GRCh37 (hg19) VCF-style: chr12-115112609-G-T.
Other names: c.1131C>A, p.Ala377= (NM_016569.4).
Identifiers: ClinVar variation 3349585 (VCV003349585.1).
Genomic context (GRCh38, chr12:114,674,804, plus strand): 5'-GGTGGAGATCTTGGCCGCGTCGCAGGCCTCGGGGCCATGCTCCTCTTTGCTCTCGGCCTC[G>T]GCGTCGCTCTCACCCTCGCTGGGACATAAATCTACCACAGGCGAAGGAAAAAACCAAGGC-3'
Protein context (NP_005987.3, residues 347-367): DLCPSEGESD[Ala357=]EAESKEEHGP